The following is an entry in ClinVar:

ClinVar aggregate classification (germline): Uncertain significance. Review status: criteria provided, multiple submitters, no conflicts (2 of 4 stars). 5 submissions from 5 submitters: Uncertain significance (5). Last evaluated 2026-08-06.

Conditions:
Cardiovascular phenotype. Identifiers: MedGen CN230736.
FLNC-related disorder. Also called: FLNC-related disorders; FLNC-related condition.
Myofibrillar myopathy 5. Also called: Filaminopathy (type); FILAMINOPATHY, AUTOSOMAL DOMINANT. Identifiers: Orphanet 171445, MedGen C1836050, MONDO:0012289, OMIM 609524.
Hypertrophic cardiomyopathy 26. Also called: Cardiomyopathy, familial hypertrophic, 26. Identifiers: Orphanet 75249, MedGen C4310749, MONDO:0014883, OMIM 617047.
Distal myopathy with posterior leg and anterior hand involvement. Also called: WILLIAMS DISTAL MYOPATHY. Identifiers: Orphanet 63273, MedGen C3279722, MONDO:0013550, OMIM 614065.

Allele frequency attached by ClinVar (database versions not stated): TOPMed 0.00007; gnomAD exomes below 0.00001 and 0.00001; gnomAD 0.00003 and 0.00004.
gnomAD v4.1: 17 of 1,606,494 alleles (0.0011%); highest among the groups gnomAD compares: Admixed American, 0.019%; no homozygotes.

Submissions (5):

OLLIN Analises Genomicas, OLLIN
Classification: Uncertain significance. Last evaluated: 2026-08-06. Review status: criteria provided, single submitter. Criteria: ACMG Guidelines 2015 PMID 25741868. Collection method: clinical testing. Allele origin: germline.
Comment: This missense variant, located in exon 26 (of 48), has been reported in ClinVar (accession VCV000661023.11) and in gnomAD with an allele frequency of 0.00106%. However, to our knowledge, it has not been reported in the scientific literature. In silico analysis predicts that this variant has a deleterious effect. According to the currently available evidence, this variant has been classified as uncertain significance (PP3_M).

Labcorp Genetics (formerly Invitae), Labcorp
Classification: Uncertain significance for Distal myopathy with posterior leg and anterior hand involvement; Myofibrillar myopathy 5; Hypertrophic cardiomyopathy 26. Last evaluated: 2026-01-28. Review status: criteria provided, single submitter. Criteria: Invitae Variant Classification Sherloc (09022015). Collection method: clinical testing. Allele origin: germline.
Comment: This sequence change replaces tyrosine, which is neutral and polar, with cysteine, which is neutral and slightly polar, at codon 1519 of the FLNC protein (p.Tyr1519Cys). The frequency data for this variant in the population databases is considered unreliable, as metrics indicate poor data quality at this position in the gnomAD database. This missense change has been observed in individual(s) with dilated cardiomyopathy (PMID: 32746448). ClinVar contains an entry for this variant (Variation ID: 661023). Invitae Evidence Modeling of protein sequence and biophysical properties (such as structural, functional, and spatial information, amino acid conservation, physicochemical variation, residue mobility, and thermodynamic stability) has been performed for this missense variant. However, the output from this modeling did not meet the statistical confidence thresholds required to predict the impact of this variant on FLNC protein function. In summary, the available evidence is currently insufficient to determine the role of this variant in disease. Therefore, it has been classified as a Variant of Uncertain Significance.

PreventionGenetics, part of Exact Sciences
Classification: Uncertain significance for FLNC-related condition. Last evaluated: 2025-12-18. Review status: criteria provided, single submitter. Criteria: ACMG Guidelines, 2015. Collection method: clinical testing. Allele origin: germline.
Comment: The FLNC c.4556A>G variant is predicted to result in the amino acid substitution p.Tyr1519Cys. This variant has been reported in an individual with dilated cardiomyopathy (Supplement table 2, Burstein et al. 2020. PubMed ID: 32746448). This variant is reported in 0.0030% of alleles in individuals of Latino descent in gnomAD. At this time, the clinical significance of this variant is uncertain due to the absence of conclusive functional and genetic evidence.

Ambry Genetics
Classification: Uncertain significance for Cardiovascular phenotype. Last evaluated: 2024-04-01. Review status: criteria provided, single submitter. Criteria: Ambry Variant Classification Scheme 2023. Collection method: clinical testing. Allele origin: germline.
Comment: The p.Y1519C variant (also known as c.4556A>G), located in coding exon 26 of the FLNC gene, results from an A to G substitution at nucleotide position 4556. The tyrosine at codon 1519 is replaced by cysteine, an amino acid with highly dissimilar properties. This alteration has been reported in a pediatric cardiomyopathy cohort (Burstein DS et al. Pediatr Res, 2021 May;89:1470-1476). This amino acid position is highly conserved in available vertebrate species. In addition, this alteration is predicted to be deleterious by in silico analysis. Based on the available evidence, the clinical significance of this alteration remains unclear.

GeneDx
Classification: Uncertain significance. Last evaluated: 2021-08-23. Review status: criteria provided, single submitter. Criteria: GeneDx Variant Classification Process June 2021. Collection method: clinical testing. Allele origin: germline. Affected: yes.
Comment: In silico analysis supports that this missense variant has a deleterious effect on protein structure/function; Has not been previously published as pathogenic or benign to our knowledge

Literature cited by the submitters: PubMed 32746448 (cited by Labcorp Genetics (formerly Invitae), Labcorp and Ambry Genetics).

NM_001458.5(FLNC):c.4556A>G (p.Tyr1519Cys)

Gene: FLNC (filamin C; plus strand). Cytogenetic location: 7q32.1.
Variant type: single nucleotide variant.
Coding change: c.4556A>G on transcript NM_001458.5 (MANE Select); coding-DNA position 4556, A replaced by G.
Protein change: p.Tyr1519Cys; replaces tyrosine 1519 with cysteine.
Molecular consequence: missense variant.
Genome position (GRCh38, 1-based): chr7:128,848,044, A>G. VCF-style: chr7-128848044-A-G. GRCh37 (hg19) VCF-style: chr7-128488098-A-G.
Other names: c.4556A>G, p.Tyr1519Cys (NM_001127487.2); short protein forms Y1519C.
Identifiers: ClinVar variation 661023 (VCV000661023.12), dbSNP rs1012086057, ClinGen allele CA166183525.